The following is an entry in ClinVar:

NM_032930.3(CFAP300):c.24_29dup (p.Gly10_Gly11insLeuGly)

Gene: CFAP300 (cilia and flagella associated protein 300; plus strand). Cytogenetic location: 11q22.1.
Variant type: Duplication.
Coding change: c.24_29dup on transcript NM_032930.3 (MANE Select); coding-DNA positions 24 to 29, 6 bases duplicated (CTTGGG; older notation c.24_29dupCTTGGG).
Protein change: p.Gly10_Gly11insLeuGly.
Molecular consequence: inframe insertion.
Genome position (GRCh38, 1-based): chr11:102,047,494-102,047,499, CTTGGG duplicated. VCF-style (leftmost placement, unchanged base first): chr11-102047493-A-ACTTGGG. GRCh37 (hg19) VCF-style: chr11-101918224-A-ACTTGGG.
Other names: c.24_29dup, p.Gly10_Gly11insLeuGly (NM_001195005.2, NM_001363505.2).
Identifiers: ClinVar variation 2162541 (VCV002162541.1), dbSNP rs753634626, ClinGen allele CA6245877.

ClinVar aggregate classification (germline): Uncertain significance (1 of 4 stars; one submission).

Allele frequency attached by ClinVar (database versions not stated): gnomAD 0.00005; TOPMed 0.00005; gnomAD exomes 0.00009; ExAC 0.00041.

Submission:

Labcorp Genetics (formerly Invitae), Labcorp
Classification: Uncertain significance. Last evaluated: 2022-05-19. Review status: criteria provided, single submitter. Criteria: Invitae Variant Classification Sherloc (09022015). Collection method: clinical testing. Allele origin: germline.
Comment: This variant, c.24_29dup, results in the insertion of 2 amino acid(s) of the C11orf70 protein (p.Leu9_Gly10dup), but otherwise preserves the integrity of the reading frame. This variant is present in population databases (rs753634626, gnomAD 0.009%). This variant has not been reported in the literature in individuals affected with C11orf70-related conditions. In summary, the available evidence is currently insufficient to determine the role of this variant in disease. Therefore, it has been classified as a Variant of Uncertain Significance.